The following is an entry in ClinVar:

ClinVar aggregate classification (germline): Pathogenic (1 of 4 stars; one submission).

Conditions:
Multiple congenital exostosis (EXT). Also called: MULTIPLE CARTILAGINOUS EXOSTOSES; Multiple exostoses; Hereditary multiple osteochondromas; Hereditary multiple exostoses; Hereditary multiple exostosis; Multiple osteochondromas. Identifiers: Orphanet 321, MedGen C0015306, MONDO:0005508, HP:0002762.

Submission:

Labcorp Genetics (formerly Invitae), Labcorp
Classification: Pathogenic for Multiple congenital exostosis. Last evaluated: 2024-10-03. Review status: criteria provided, single submitter. Criteria: Invitae Variant Classification Sherloc (09022015). Collection method: clinical testing. Allele origin: germline.
Comment: This sequence change creates a premature translational stop signal (p.Gln406*) in the EXT1 gene. It is expected to result in an absent or disrupted protein product. Loss-of-function variants in EXT1 are known to be pathogenic (PMID: 10679937, 11391482, 19810120). This variant is not present in population databases (gnomAD no frequency). This premature translational stop signal has been observed in individual(s) with hereditary multiple osteochondromatosis (PMID: 16283885). Algorithms developed to predict the effect of sequence changes on RNA splicing suggest that this variant may disrupt the consensus splice site. For these reasons, this variant has been classified as Pathogenic.

Literature cited by the submitters: PubMed 10679937; PubMed 11391482; PubMed 19810120; PubMed 16283885.

NM_000127.3(EXT1):c.1216C>T (p.Gln406Ter)

Gene: EXT1 (exostosin glycosyltransferase 1; minus strand). Cytogenetic location: 8q24.11.
Variant type: single nucleotide variant.
Coding change: c.1216C>T on transcript NM_000127.3 (MANE Select); coding-DNA position 1216, C replaced by T.
Protein change: p.Gln406Ter; replaces glutamine 406 with a stop codon.
Molecular consequence: nonsense.
Genome position (GRCh38, 1-based): chr8:117,830,298, G>A on the plus strand (C>T on the coding strand, the complement: EXT1 is on the minus strand). VCF-style: chr8-117830298-G-A. GRCh37 (hg19) VCF-style: chr8-118842537-G-A.
Other names: short protein forms Q406*.
Identifiers: ClinVar variation 3720864 (VCV003720864.2).